The following is an entry in ClinVar:

ClinVar aggregate classification (germline): Likely pathogenic (1 of 4 stars; one submission).

Conditions:
Deficiency of galactokinase. Also called: GALACTOSEMIA II; Galactokinase deficiency with cataracts. Identifiers: Orphanet 352, Orphanet 79237, MedGen C0268155, MONDO:0009255, OMIM 230200.

Submission:

Labcorp Genetics (formerly Invitae), Labcorp
Classification: Likely pathogenic for Deficiency of galactokinase. Last evaluated: 2023-06-20. Review status: criteria provided, single submitter. Criteria: Invitae Variant Classification Sherloc (09022015). Collection method: clinical testing. Allele origin: germline.
Comment: This sequence change affects an acceptor splice site in intron 4 of the GALK1 gene. It is expected to disrupt RNA splicing. Variants that disrupt the donor or acceptor splice site typically lead to a loss of protein function (PMID: 16199547), and loss-of-function variants in GALK1 are known to be pathogenic (PMID: 7670469, 10790206). This variant is not present in population databases (gnomAD no frequency). This variant has not been reported in the literature in individuals affected with GALK1-related conditions. Algorithms developed to predict the effect of sequence changes on RNA splicing suggest that this variant may disrupt the consensus splice site. In summary, the currently available evidence indicates that the variant is pathogenic, but additional data are needed to prove that conclusively. Therefore, this variant has been classified as Likely Pathogenic.

Literature cited by the submitters: PubMed 16199547; PubMed 7670469; PubMed 10790206.

NM_000154.2(GALK1):c.612-1G>T

Gene: GALK1 (galactokinase 1; minus strand). Cytogenetic location: 17q25.1.
Variant type: single nucleotide variant.
Coding change: c.612-1G>T on transcript NM_000154.2 (MANE Select); the canonical splice acceptor site of the intron before coding-DNA position 612, G replaced by T.
Molecular consequence: splice acceptor variant.
Genome position (GRCh38, 1-based): chr17:75,762,886, C>A on the plus strand (G>T on the coding strand, the complement: GALK1 is on the minus strand). VCF-style: chr17-75762886-C-A. GRCh37 (hg19) VCF-style: chr17-73758967-C-A.
Other names: c.612-1G>T (NM_001381985.1).
Identifiers: ClinVar variation 2719722 (VCV002719722.3), dbSNP rs1555748556, ClinGen allele CA401103985.